The following is an entry in ClinVar:

ClinVar aggregate classification (germline): Uncertain significance (1 of 4 stars; one submission).

Conditions:
FG syndrome (FGS). Identifiers: MedGen C0220769, MONDO:0002010.

Submission:

Labcorp Genetics (formerly Invitae), Labcorp
Classification: Uncertain significance for FG syndrome. Last evaluated: 2024-05-13. Review status: criteria provided, single submitter. Criteria: Invitae Variant Classification Sherloc (09022015). Collection method: clinical testing. Allele origin: germline.
Comment: This sequence change replaces isoleucine, which is neutral and non-polar, with methionine, which is neutral and non-polar, at codon 1175 of the MED12 protein (p.Ile1175Met). This variant is not present in population databases (gnomAD no frequency). This variant has not been reported in the literature in individuals affected with MED12-related conditions. Advanced modeling of protein sequence and biophysical properties (such as structural, functional, and spatial information, amino acid conservation, physicochemical variation, residue mobility, and thermodynamic stability) performed at Invitae indicates that this missense variant is not expected to disrupt MED12 protein function with a negative predictive value of 95%. In summary, the available evidence is currently insufficient to determine the role of this variant in disease. Therefore, it has been classified as a Variant of Uncertain Significance.

NM_005120.3(MED12):c.3525C>G (p.Ile1175Met)

Gene: MED12 (mediator complex subunit 12; plus strand). Cytogenetic location: Xq13.1.
Variant type: single nucleotide variant.
Coding change: c.3525C>G on transcript NM_005120.3 (MANE Select); coding-DNA position 3525, C replaced by G.
Protein change: p.Ile1175Met; replaces isoleucine 1175 with methionine.
Molecular consequence: missense variant.
Genome position (GRCh38, 1-based): chrX:71,129,163, C>G. VCF-style: chrX-71129163-C-G. GRCh37 (hg19) VCF-style: chrX-70349013-C-G.
Other names: short protein forms I1175M.
Identifiers: ClinVar variation 3634959 (VCV003634959.2).